The following is an entry in ClinVar:

ClinVar aggregate classification (germline): Uncertain significance (1 of 4 stars; one submission).

Submission:

Labcorp Genetics (formerly Invitae), Labcorp
Classification: Uncertain significance. Last evaluated: 2024-09-15. Review status: criteria provided, single submitter. Criteria: Invitae Variant Classification Sherloc (09022015). Collection method: clinical testing. Allele origin: germline.
Comment: This sequence change replaces leucine, which is neutral and non-polar, with isoleucine, which is neutral and non-polar, at codon 95 of the RHO protein (p.Leu95Ile). This variant is not present in population databases (gnomAD no frequency). This variant has not been reported in the literature in individuals affected with RHO-related conditions. Invitae Evidence Modeling of protein sequence and biophysical properties (such as structural, functional, and spatial information, amino acid conservation, physicochemical variation, residue mobility, and thermodynamic stability) indicates that this missense variant is not expected to disrupt RHO protein function with a negative predictive value of 80%. This variant disrupts the p.Leu95 amino acid residue in RHO. Other variant(s) that disrupt this residue have been determined to be pathogenic (PMID: 30972525, 34666717). This suggests that this residue is clinically significant, and that variants that disrupt this residue are likely to be disease-causing. In summary, the available evidence is currently insufficient to determine the role of this variant in disease. Therefore, it has been classified as a Variant of Uncertain Significance.

Literature cited by the submitters: PubMed 30972525; PubMed 34666717.

NM_000539.3(RHO):c.283C>A (p.Leu95Ile)

Gene: RHO (rhodopsin; plus strand). Cytogenetic location: 3q22.1.
Variant type: single nucleotide variant.
Coding change: c.283C>A on transcript NM_000539.3 (MANE Select); coding-DNA position 283, C replaced by A.
Protein change: p.Leu95Ile; replaces leucine 95 with isoleucine.
Molecular consequence: missense variant.
Genome position (GRCh38, 1-based): chr3:129,529,016, C>A. VCF-style: chr3-129529016-C-A. GRCh37 (hg19) VCF-style: chr3-129247859-C-A.
Other names: short protein forms L95I.
Identifiers: ClinVar variation 3695082 (VCV003695082.2).